The following is an entry in ClinVar:

ClinVar aggregate classification (germline): Pathogenic/Likely pathogenic. Review status: criteria provided, multiple submitters, no conflicts (2 of 4 stars). 7 submissions from 7 submitters: Pathogenic (5); Likely pathogenic (2). Last evaluated 2026-05-28.

Conditions:
Inborn genetic diseases. Identifiers: MedGen C0950123, MeSH D030342.
PMM2-congenital disorder of glycosylation. Also called: JAEKEN SYNDROME; PHOSPHOMANNOMUTASE 2 DEFICIENCY; PMM2-CDG; Congenital disorder of glycosylation, type Ia; CDG Ia; CARBOHYDRATE-DEFICIENT GLYCOPROTEIN SYNDROME, TYPE Ia. Identifiers: Orphanet 79318, MedGen C0349653, MONDO:0008907, OMIM 212065.

Allele frequency attached by ClinVar (database versions not stated): ExAC 0.00001; gnomAD 0.00001; TOPMed 0.00002; ESP Exome Variant Server 0.00015.
gnomAD v4.1: 7 of 1,611,226 alleles (0.00043%); highest among the groups gnomAD compares: African/African-American, 0.0027%; no homozygotes.

Submissions (7):

Ambry Genetics
Classification: Pathogenic for Inborn genetic diseases. Last evaluated: 2026-05-28. Review status: criteria provided, single submitter. Criteria: Ambry Variant Classification Scheme 2023. Collection method: clinical testing. Allele origin: germline.
Comment: The c.458T>C (p.I153T) alteration is located in exon 6 (coding exon 6) of the PMM2 gene. This alteration results from a T to C substitution at nucleotide position 458, causing the isoleucine (I) at amino acid position 153 to be replaced by a threonine (T). Based on data from gnomAD, the C allele has an overall frequency of 0.002% (4/251354) total alleles studied. The highest observed frequency was 0.006% (1/16252) of African alleles. This variant has been identified in conjunction with other PMM2 variant(s) in individual(s) with features consistent with PMM2-related congenital disorder of glycosylation; in at least one instance, the variants were identified in trans (de Lonlay, 2001; Gr&uuml;newald, 2001; Le Bizec, 2005; Serrano, 2015; Quelhas, 2021). This amino acid position is highly conserved in available vertebrate species. This alteration is predicted to be deleterious by in silico analysis. Based on the available evidence, this alteration is classified as pathogenic.

Natera, Inc.
Classification: Likely pathogenic for Congenital disorder of glycosylation type 1a. Last evaluated: 2024-08-30. Review status: criteria provided, single submitter. Criteria: Natera Variant Classification Schema (03/2026). Collection method: clinical testing. Allele origin: germline.
Comment: The c.458T>C variant in PMM2 is a missense variant predicted to cause substitution of isoleucine to threonine at amino acid 153. This variant is rare in the general population with a frequency below the threshold expected for the associated phenotype(s). This variant has been observed in one or more individuals affected with the associated recessive disease, as either homozygous or compound heterozygous with a second variant (PMID: 33340551, 30304743, 11156536, 35789514, 34828263, 11134235, 12705494). Functional studies show that this variant may disrupt protein function (PMID: 35789514, 27053713, 12705494). Computational prediction algorithms indicate this variant is likely to affect gene or protein function. Given the available evidence, this variant is classified as Likely Pathogenic.

Fulgent Genetics
Classification: Pathogenic for PMM2-congenital disorder of glycosylation. Last evaluated: 2024-03-11. Review status: criteria provided, single submitter. Criteria: ACMG Guidelines, 2015. Collection method: clinical testing. Allele origin: germline.

Labcorp Genetics (formerly Invitae), Labcorp
Classification: Pathogenic for PMM2-congenital disorder of glycosylation. Last evaluated: 2024-03-09. Review status: criteria provided, single submitter. Criteria: Invitae Variant Classification Sherloc (09022015). Collection method: clinical testing. Allele origin: germline.
Comment: This sequence change replaces isoleucine, which is neutral and non-polar, with threonine, which is neutral and polar, at codon 153 of the PMM2 protein (p.Ile153Thr). This variant is present in population databases (rs150577656, gnomAD 0.002%). This missense change has been observed in individual(s) with congenital disorder of glycosylation (PMID: 11058895, 11156536, 25497157, 26502900; Invitae). In at least one individual the data is consistent with being in trans (on the opposite chromosome) from a pathogenic variant. ClinVar contains an entry for this variant (Variation ID: 371406). Advanced modeling of protein sequence and biophysical properties (such as structural, functional, and spatial information, amino acid conservation, physicochemical variation, residue mobility, and thermodynamic stability) performed at Invitae indicates that this missense variant is expected to disrupt PMM2 protein function with a positive predictive value of 95%. For these reasons, this variant has been classified as Pathogenic.

GeneDx
Classification: Pathogenic. Last evaluated: 2023-08-30. Review status: criteria provided, single submitter. Criteria: GeneDx Variant Classification Process June 2021. Collection method: clinical testing. Allele origin: germline. Affected: yes.
Comment: Not observed at significant frequency in large population cohorts (gnomAD); In silico analysis supports that this missense variant has a deleterious effect on protein structure/function; In silico analysis suggests this variant may impact gene splicing. In the absence of RNA/functional studies, the actual effect of this sequence change is unknown.; This variant is associated with the following publications: (PMID: 15844218, 23430838, 30304743, 20506564, 34828263, 33340551, 25525159, 11058895, 11134235, 11156536, 25497157, 28139241, 16085795, 30991241, 28915903, 12626389, 21949237, 12705494, 26502900, 27053713, 31589614, 33413482, 35789514)

Myriad Genetics, Inc.
Classification: Likely pathogenic for PMM2-congenital disorder of glycosylation. Last evaluated: 2021-11-16. Review status: criteria provided, single submitter. Criteria: Myriad Women's Health Autosomal Recessive and X-Linked Classification Criteria (2021). Collection method: clinical testing. Allele origin: unknown.
Comment: NM_000303.2(PMM2):c.458T>C(I153T) is a missense variant classified as likely pathogenic in the context of congenital disorder of glycosylation type Ia. I153T has been observed in cases with relevant disease (PMID: 11156536, 11134235, 25497157, 26502900, 15844218, 30991241, 33413482). Functional assessments of this variant are not available in the literature. I153T has been observed in population frequency databases (gnomAD: AFR 0.01%). In summary, NM_000303.2(PMM2):c.458T>C(I153T) is a missense variant that has been observed more frequently in cases with the relevant disease than in healthy populations. Please note: this variant was assessed in the context of healthy population screening.

Women's Health and Genetics/Laboratory Corporation of America, LabCorp
Classification: Pathogenic for Congenital disorder of glycosylation, type Ia. Last evaluated: 2020-11-11. Review status: criteria provided, single submitter. Criteria: LabCorp Variant Classification Summary - May 2015. Collection method: clinical testing. Allele origin: germline.
Comment: Variant summary: PMM2 c.458T>C (p.Ile153Thr) results in a non-conservative amino acid change in the encoded protein sequence. Five of five in-silico tools predict a damaging effect of the variant on protein function. The variant allele was found at a frequency of 1.6e-05 in 251354 control chromosomes. c.458T>C has been reported in the literature in multiple individuals affected with Congenital Disorder Of Glycosylation Type 1a (e.g. Callewaert_2003, De Lonlay_2001, Lavieu_2005, Serrano_2017, Chan_2016). These data indicate that the variant is very likely to be associated with disease. Compound heterozygote individuals with the variant of interest were found to have PMM activity ranging from 9 to 25% (e.g. Lavieu_2005, Sharma_2011, Chan_2016). Two other clinical diagnostic laboratories have submitted clinical-significance assessments for this variant to ClinVar after 2014 without evidence for independent evaluation. Both laboratories classified the variant as likely pathogenic. Based on the evidence outlined above, the variant was classified as pathogenic.

Literature cited by the submitters: PubMed 11134235 (cited by 4 submitters); PubMed 11156536 (cited by 4 submitters); PubMed 15844218 (cited by Ambry Genetics and Myriad Genetics, Inc.); PubMed 26502900 (cited by 4 submitters); PubMed 33340551 (cited by Ambry Genetics and Natera, Inc.); PubMed 30304743 (cited by Natera, Inc.); PubMed 35789514 (cited by Natera, Inc.); PubMed 34828263 (cited by Natera, Inc.); PubMed 12705494 (cited by Natera, Inc.); PubMed 27053713 (cited by Natera, Inc. and Women's Health and Genetics/Laboratory Corporation of America, LabCorp); PubMed 11058895 (cited by Labcorp Genetics (formerly Invitae), Labcorp); PubMed 25497157 (cited by Labcorp Genetics (formerly Invitae), Labcorp and Myriad Genetics, Inc.); PubMed 33413482 (cited by Myriad Genetics, Inc.); PubMed 30991241 (cited by Myriad Genetics, Inc.); PubMed 12626389 (cited by Women's Health and Genetics/Laboratory Corporation of America, LabCorp); PubMed 16085795 (cited by Women's Health and Genetics/Laboratory Corporation of America, LabCorp); PubMed 28915903 (cited by Women's Health and Genetics/Laboratory Corporation of America, LabCorp); PubMed 21949237 (cited by Women's Health and Genetics/Laboratory Corporation of America, LabCorp).

NM_000303.3(PMM2):c.458T>C (p.Ile153Thr)

Gene: PMM2 (phosphomannomutase 2; plus strand). Cytogenetic location: 16p13.2.
Variant type: single nucleotide variant.
Coding change: c.458T>C on transcript NM_000303.3 (MANE Select); coding-DNA position 458, T replaced by C.
Protein change: p.Ile153Thr; replaces isoleucine 153 with threonine.
Molecular consequence: missense variant.
Genome position (GRCh38, 1-based): chr16:8,811,648, T>C. VCF-style: chr16-8811648-T-C. GRCh37 (hg19) VCF-style: chr16-8905505-T-C.
Other names: short protein forms I153T.
Identifiers: ClinVar variation 371406 (VCV000371406.29), dbSNP rs150577656, ClinGen allele CA7894086.